The following is an entry in ClinVar:

NM_013450.4(BAZ2B):c.1360del (p.Val454fs)

Gene: BAZ2B (bromodomain adjacent to zinc finger domain 2B; minus strand). Cytogenetic location: 2q24.2.
Variant type: Deletion.
Coding change: c.1360del on transcript NM_013450.4 (MANE Select); coding-DNA position 1360, one base deleted (G; older notation c.1360delG).
Protein change: p.Val454fs; shifts the reading frame from valine 454.
Molecular consequence: frameshift variant.
Genome position (GRCh38, 1-based): chr2:159,433,297, C deleted on the plus strand (G on the coding strand, the reverse complement: BAZ2B is on the minus strand); the first of 2 consecutive C bases (chr2:159,433,297-159,433,298); deleting either gives the same sequence. VCF-style (leftmost placement, unchanged base first): chr2-159433296-AC-A. GRCh37 (hg19) VCF-style: chr2-160289807-AC-A.
Other names: c.1354del, p.Val452fs (NM_001289975.1); c.1171del, p.Val391fs (NM_001329857.2); c.1360del, p.Val454fs (NM_001329858.2); short protein forms V391fs, V452fs, V454fs.
Identifiers: ClinVar variation 2502177 (VCV002502177.1), dbSNP rs2546860508, ClinGen allele CA2577131724.

ClinVar aggregate classification (germline): Likely pathogenic (1 of 4 stars; one submission).

Conditions:
BAZ2B-related Neurodevelopmental disorder.

Submission:

New York Genome Center
Classification: Likely pathogenic for BAZ2B-related neurodevelopmental disorder. Last evaluated: 2022-06-10. Review status: criteria provided, single submitter. Criteria: NYGC Assertion Criteria 2020. Collection method: clinical testing. Allele origin: inherited. Affected: yes. Observed: 1 heterozygote.
Comment: The c.1360del variant in BAZ2B has not previously been reported in the literature or public variant repositories (ClinVar and LOVD), and is absent from population databases (gnomAD v2.1.1 and v3.1.2, TOPMed Freeze 8, All of Us), suggesting it is not a common benign variant in the populations represented in those databases. The c.1360del variant in BAZ2B is located in exon 9 of this 37-exon gene, and is predicted to incorporate a premature termination codon (p.(Val454LeufsTer22)), and is expected to result in loss-of-function via nonsense mediated decay for all transcripts. Multiple putative loss-of-function variants have been reported in the literature in individuals with neurodevelopmental disorders [PMID: 28191890, 28554332, 31999386, 33994118]. Based on available evidence this inherited c.1360del p.(Val454LeufsTer22) variant identified in BAZ2B is classified as Likely Pathogenic.